The following is an entry in ClinVar:

ClinVar aggregate classification (germline): Uncertain significance (1 of 4 stars; one submission).

Conditions:
Arrhythmogenic right ventricular dysplasia 5. Also called: Arrhythmogenic Right Ventricular Dysplasia/Cardiomyopathy 5; ARRHYTHMOGENIC RIGHT VENTRICULAR DYSPLASIA, FAMILIAL, 5. Identifiers: MedGen C1858379, MONDO:0011459, OMIM 604400.

Submission:

Labcorp Genetics (formerly Invitae), Labcorp
Classification: Uncertain significance for Arrhythmogenic right ventricular dysplasia 5. Last evaluated: 2026-01-10. Review status: criteria provided, single submitter. Criteria: Invitae Variant Classification Sherloc (09022015). Collection method: clinical testing. Allele origin: germline.
Comment: This sequence change creates a premature translational stop signal (p.Ala81Leufs*33) in the TMEM43 gene. It is expected to result in an absent or disrupted protein product. However, the current clinical and genetic evidence is not sufficient to establish whether loss-of-function variants in TMEM43 cause disease. This variant is not present in population databases (gnomAD no frequency). This variant has not been reported in the literature in individuals affected with TMEM43-related conditions. ClinVar contains an entry for this variant (Variation ID: 2849526). In summary, the available evidence is currently insufficient to determine the role of this variant in disease. Therefore, it has been classified as a Variant of Uncertain Significance.

NM_024334.3(TMEM43):c.241del (p.Ala81fs)

Gene: TMEM43 (transmembrane protein 43; plus strand). Cytogenetic location: 3p25.1.
Variant type: Deletion.
Coding change: c.241del on transcript NM_024334.3 (MANE Select); coding-DNA position 241, one base deleted (G; older notation c.241delG).
Protein change: p.Ala81fs; shifts the reading frame from alanine 81.
Molecular consequence: frameshift variant.
Genome position (GRCh38, 1-based): chr3:14,130,900, G deleted; the last of 2 consecutive G bases (chr3:14,130,899-14,130,900); deleting either gives the same sequence. VCF-style (leftmost placement, unchanged base first): chr3-14130898-TG-T. GRCh37 (hg19) VCF-style: chr3-14172398-TG-T.
Other names: c.241del, p.Ala81fs (NM_001407274.1, NM_001407275.1, NM_001407276.1 and 2 more transcripts); c.226del, p.Ala76fs (NM_001407278.1); c.91del, p.Ala31fs (NM_001407280.1); short protein forms A31fs, A81fs, A76fs.
Identifiers: ClinVar variation 2849526 (VCV002849526.3), dbSNP rs2470179660, ClinGen allele CA2739278968.